The following is an entry in ClinVar:

NM_001253697.2(ERBIN):c.122T>C (p.Ile41Thr)

Gene: ERBIN (erbb2 interacting protein; plus strand). Cytogenetic location: 5q12.3.
Variant type: single nucleotide variant.
Coding change: c.122T>C on transcript NM_001253697.2 (MANE Select); coding-DNA position 122, T replaced by C.
Protein change: p.Ile41Thr; replaces isoleucine 41 with threonine.
Molecular consequence: missense variant.
Genome position (GRCh38, 1-based): chr5:65,992,840, T>C. VCF-style: chr5-65992840-T-C. GRCh37 (hg19) VCF-style: chr5-65288668-T-C.
Other names: c.122T>C (NM_001006600.2); c.122T>C, p.Ile41Thr (NM_001006600.3, NM_001253698.2, NM_001253699.2 and 2 more transcripts); short protein forms I41T.
Identifiers: ClinVar variation 1418702 (VCV001418702.8), dbSNP rs141058175, ClinGen allele CA3285827.
Genomic context (GRCh38, chr5:65,992,840, plus strand): 5'-AGGAGACTGTCACTACTCTTGATTATTCTCATTGCAGCTTAGAACAAGTTCCGAAAGAGA[T>C]TTTTACTTTTGAAAAAACCTTGGAGGAACTCTATTTAGATGCTAATCAGATTGAAGAGCT-3'
Protein context (NP_001240626.1, residues 31-51): HCSLEQVPKE[Ile41Thr]FTFEKTLEEL

ClinVar aggregate classification (germline): Uncertain significance. Review status: criteria provided, single submitter (1 of 4 stars). 2 submissions from 2 submitters: Uncertain significance (1). 1 of the submissions does not count toward it. Last evaluated 2025-10-01.

Conditions:
ERBIN-related disorder. Also called: ERBIN-related condition.

Allele frequency attached by ClinVar (database versions not stated): gnomAD exomes 0.00005 and 0.00015; ExAC 0.00017; gnomAD 0.00045 and 0.00047; ESP Exome Variant Server 0.00054; TOPMed 0.00057; 1000 Genomes Project 30x 0.00109; 1000 Genomes Project 0.00120.
gnomAD v4.1: 141 of 1,613,558 alleles (0.0087%); highest among the groups gnomAD compares: African/African-American, 0.17%; no homozygotes.

Submissions (2):

Labcorp Genetics (formerly Invitae), Labcorp
Classification: Uncertain significance. Last evaluated: 2025-10-01. Review status: criteria provided, single submitter. Criteria: Invitae Variant Classification Sherloc (09022015). Collection method: clinical testing. Allele origin: germline.
Comment: This sequence change replaces isoleucine, which is neutral and non-polar, with threonine, which is neutral and polar, at codon 41 of the ERBIN protein (p.Ile41Thr). This variant is present in population databases (rs141058175, gnomAD 0.2%), and has an allele count higher than expected for a pathogenic variant. This variant has not been reported in the literature in individuals affected with ERBIN-related conditions. ClinVar contains an entry for this variant (Variation ID: 1418702). An algorithm developed to predict the effect of missense changes on protein structure and function (PolyPhen-2) suggests that this variant is likely to be disruptive. In summary, the available evidence is currently insufficient to determine the role of this variant in disease. Therefore, it has been classified as a Variant of Uncertain Significance.

PreventionGenetics, part of Exact Sciences
Classification: Likely benign for ERBIN-related condition. Last evaluated: 2022-11-10. Review status: no assertion criteria provided. Collection method: clinical testing. Allele origin: germline. Not counted in ClinVar's aggregate classification.
Comment: This variant is classified as likely benign based on ACMG/AMP sequence variant interpretation guidelines (Richards et al. 2015 PMID: 25741868, with internal and published modifications).